The following is an entry in ClinVar:

ClinVar aggregate classification (germline): Likely benign (1 of 4 stars; one submission).

Conditions:
PKD1-related disorder. Also called: PKD1-related condition.

Submission:

PreventionGenetics, part of Exact Sciences
Classification: Likely benign for PKD1-related condition. Last evaluated: 2025-12-02. Review status: criteria provided, single submitter. Criteria: ACMG Guidelines, 2015. Collection method: clinical testing. Allele origin: germline.
Comment: This variant is classified as likely benign based on ACMG/AMP sequence variant interpretation guidelines (Richards et al. 2015 PMID: 25741868, with internal and published modifications).

NM_001009944.3(PKD1):c.11713-21del

Gene: PKD1 (polycystin 1, transient receptor potential channel interacting; minus strand). Cytogenetic location: 16p13.3.
Variant type: Deletion.
Coding change: c.11713-21del on transcript NM_001009944.3 (MANE Select); 21 bases into the intron before coding-DNA position 11713, one base deleted (T; older notation c.11713-21delT).
Molecular consequence: intron variant.
Genome position (GRCh38, 1-based): chr16:2,091,195, A deleted on the plus strand (T on the coding strand, the reverse complement: PKD1 is on the minus strand). VCF-style (leftmost placement, unchanged base first): chr16-2091194-GA-G. GRCh37 (hg19) VCF-style: chr16-2141195-GA-G.
Other names: c.11710-21del (NM_000296.4).
Identifiers: ClinVar variation 4992398 (VCV004992398.1).
Genomic context (GRCh38, chr16:2,091,194, plus strand): 5'-TCGGCCACGGCGAAGTGCACGGCGAACAGCAGCAGGCACACCTGTGGGGGGCGCGGTCAG[GA>G]GGGCGGGAGGGACGCTGCCGGGGCGGGGCCCTGCGAGGGGGCGGGACGCTGCCGGGGCGG-3'